The following is an entry in ClinVar:

NM_001099403.2(PRDM8):c.1300G>A (p.Glu434Lys)

Gene: PRDM8 (PR/SET domain 8; plus strand). Cytogenetic location: 4q21.21.
Variant type: single nucleotide variant.
Coding change: c.1300G>A on transcript NM_001099403.2 (MANE Select); coding-DNA position 1300, G replaced by A.
Protein change: p.Glu434Lys; replaces glutamic acid 434 with lysine.
Molecular consequence: missense variant.
Genome position (GRCh38, 1-based): chr4:80,202,762, G>A. VCF-style: chr4-80202762-G-A. GRCh37 (hg19) VCF-style: chr4-81123916-G-A.
Other names: c.1300G>A, p.Glu434Lys (NM_020226.4); short protein forms E434K.
Identifiers: ClinVar variation 1353574 (VCV001353574.8), dbSNP rs1267354661, ClinGen allele CA357399942.
Genomic context (GRCh38, chr4:80,202,762, plus strand): 5'-CAGGACGCTGGCGGCGGCGGCGGCTCCTCCACGCCCGCGGCCGCGTCACCGGTGGGCGCC[G>A]AGAAGCTGCTGGCCCCGCGGCCTGGGGGCCCGCTGCCCAGCCGGCTCGAGGGCGGCAGTC-3'
Protein context (NP_001092873.1, residues 424-444): TPAAASPVGA[Glu434Lys]KLLAPRPGGP

ClinVar aggregate classification (germline): Uncertain significance (1 of 4 stars; one submission).

Conditions:
Early-onset Lafora body disease. Also called: Epilepsy, progressive myoclonic, 10. Identifiers: Orphanet 324290, MedGen C4225258, MONDO:0014717, OMIM 616640.

Allele frequency attached by ClinVar (database versions not stated): TOPMed 0.00001; gnomAD 0.00002.

Submission:

Labcorp Genetics (formerly Invitae), Labcorp
Classification: Uncertain significance for Early-onset Lafora body disease. Last evaluated: 2022-08-16. Review status: criteria provided, single submitter. Criteria: Invitae Variant Classification Sherloc (09022015). Collection method: clinical testing. Allele origin: germline.
Comment: In summary, the available evidence is currently insufficient to determine the role of this variant in disease. Therefore, it has been classified as a Variant of Uncertain Significance. Algorithms developed to predict the effect of missense changes on protein structure and function are either unavailable or do not agree on the potential impact of this missense change (SIFT: "Tolerated"; PolyPhen-2: "Possibly Damaging"; Align-GVGD: "Class C0"). ClinVar contains an entry for this variant (Variation ID: 1353574). This variant has not been reported in the literature in individuals affected with PRDM8-related conditions. This variant is not present in population databases (gnomAD no frequency). This sequence change replaces glutamic acid, which is acidic and polar, with lysine, which is basic and polar, at codon 434 of the PRDM8 protein (p.Glu434Lys).